The following is an entry in ClinVar:

ClinVar aggregate classification (germline): Benign. Review status: criteria provided, multiple submitters, no conflicts (2 of 4 stars). 2 submissions from 2 submitters: Benign (2). Last evaluated 2024-01-24.

Conditions:
Familial cold autoinflammatory syndrome 1 (FCAS1). Also called: Familial cold inflammatory syndrome 1; CRYOPYRIN-ASSOCIATED PERIODIC SYNDROME 1. Identifiers: Orphanet 47045, MedGen C4551895, MONDO:0007349, OMIM 120100.

Allele frequency attached by ClinVar (database versions not stated): gnomAD exomes 0.32905; gnomAD 0.33560 and 0.34199.

Submissions (2):

Unidad de Genómica Garrahan, Hospital de Pediatría Garrahan
Classification: Benign. Last evaluated: 2024-01-24. Review status: criteria provided, single submitter. Criteria: ACMG Guidelines, 2015. Collection method: clinical testing. Allele origin: germline. Affected: no. Observed: 27 variant alleles.
Comment: This variant is classified as Benign based on local population frequency. This variant was detected in 31% of patients studied by a panel of primary immunodeficiencies. Number of patients: 27. Only high quality variants are reported.

Mendelics
Classification: Benign for Familial cold autoinflammatory syndrome 1. Last evaluated: 2019-05-28. Review status: criteria provided, single submitter. Criteria: Mendelics Assertion Criteria 2017. Collection method: clinical testing. Allele origin: unknown.

NM_001243133.2(NLRP3):c.277+83_277+85del

Gene: NLRP3 (NLR family pyrin domain containing 3; plus strand). Cytogenetic location: 1q44.
Variant type: Deletion.
Coding change: c.277+83_277+85del on transcript NM_001243133.2 (MANE Select); bases 83 to 85 of the intron after coding-DNA position 277, 3 bases deleted (ATA; older notation c.277+83_277+85delATA).
Molecular consequence: intron variant.
Genome position (GRCh38, 1-based): chr1:247,419,160-247,419,162, ATA deleted. VCF-style (leftmost placement, unchanged base first): chr1-247419159-TATA-T. GRCh37 (hg19) VCF-style: chr1-247582461-TATA-T.
Other names: c.283+83_283+85del (NM_004895.5); c.277+83_277+85del (NM_001127461.3, NM_001127462.3, NM_183395.3 and 1 more transcripts).
Identifiers: ClinVar variation 801645 (VCV000801645.3), dbSNP rs368835809, ClinGen allele CA40686078.